The following is an entry in ClinVar:

NM_001384900.1(SEMA3D):c.336A>T (p.Glu112Asp)

Gene: SEMA3D (semaphorin 3D; minus strand). Cytogenetic location: 7q21.11.
Variant type: single nucleotide variant.
Coding change: c.336A>T on transcript NM_001384900.1 (MANE Select); coding-DNA position 336, A replaced by T.
Protein change: p.Glu112Asp; replaces glutamic acid 112 with aspartic acid.
Molecular consequence: missense variant.
Genome position (GRCh38, 1-based): chr7:85,081,556, T>A on the plus strand (A>T on the coding strand, the complement: SEMA3D is on the minus strand). VCF-style: chr7-85081556-T-A. GRCh37 (hg19) VCF-style: chr7-84710872-T-A.
Other names: c.336A>T, p.Glu112Asp (NM_001384901.1, NM_001384902.1, NM_001384903.1 and 1 more transcripts); short protein forms E112D.
Identifiers: ClinVar variation 5002196 (VCV005002196.1).
Genomic context (GRCh38, chr7:85,081,556, plus strand): 5'-TTGTTACAGTTTCATACTTACATTGGCATCTTTCCCAGCTAATTTACATAATTCCACCCG[T>A]TCCTTTGCAGCAGGCCAATAAATCTGCAAAACATTTCAAAGTATGTTACAACCTGAATAT-3'
Protein context (NP_001371829.1, residues 102-122): FKKIYWPAAK[Glu112Asp]RVELCKLAGK

ClinVar aggregate classification (germline): Uncertain significance (1 of 4 stars; one submission).

Conditions:
SEMA3D-related disorder. Also called: SEMA3D-related condition.

gnomAD v4.1: 15 of 1,612,096 alleles (0.00093%); highest among the groups gnomAD compares: Non-Finnish European, 0.0013%; no homozygotes.

Submission:

PreventionGenetics, part of Exact Sciences
Classification: Uncertain significance for SEMA3D-related condition. Last evaluated: 2026-08-19. Review status: criteria provided, single submitter. Criteria: ACMG Guidelines, 2015. Collection method: clinical testing. Allele origin: germline.
Comment: The SEMA3D c.336A>T variant is predicted to result in the amino acid substitution p.Glu112Asp. To our knowledge, this variant has not been reported in the literature or in a large population database (gnomAD), indicating this variant is rare. At this time, the clinical significance of this variant is uncertain due to the absence of conclusive functional and genetic evidence.